The following is an entry in ClinVar:

NM_001164508.2(NEB):c.14934+16_14934+17insG

Gene: NEB (nebulin; minus strand). Cytogenetic location: 2q23.3.
Variant type: Insertion.
Coding change: c.14934+16_14934+17insG on transcript NM_001164508.2 (MANE Select); bases 16 to 17 of the intron after coding-DNA position 14934, G inserted.
Molecular consequence: intron variant.
Genome position: GRCh38 VCF-style: chr2-151591331-G-GC. GRCh37 (hg19) VCF-style: chr2-152447845-G-GC.
Other names: c.11602-14978_11602-14977insG (NM_004543.5); c.14934+16_14934+17insG (NM_001164507.2, NM_001271208.2).
Identifiers: ClinVar variation 257749 (VCV000257749.3), dbSNP rs11436831, ClinGen allele CA1908451.

ClinVar aggregate classification (germline): Benign/Likely benign. Review status: criteria provided, multiple submitters, no conflicts (2 of 4 stars). 3 submissions from 3 submitters: Benign (2); Likely benign (1). Last evaluated 2024-11-26.

Allele frequency attached by ClinVar (database versions not stated): gnomAD 0.19706 and 0.19902; ExAC 0.22978; 1000 Genomes Project 0.15535; 1000 Genomes Project 30x 0.17801; ESP Exome Variant Server 0.18659.

Submissions (3):

Blueprint Genetics
Classification: Likely benign. Last evaluated: 2024-11-26. Review status: criteria provided, single submitter. Criteria: ACMG Guidelines, 2015. Collection method: clinical testing. Allele origin: germline.

GeneDx
Classification: Benign. Last evaluated: 2016-02-03. Review status: criteria provided, single submitter. Criteria: GeneDx Variant Classification (06012015). Collection method: clinical testing. Allele origin: germline. Affected: yes.
Comment: This variant is considered likely benign or benign based on one or more of the following criteria: it is a conservative change, it occurs at a poorly conserved position in the protein, it is predicted to be benign by multiple in silico algorithms, and/or has population frequency not consistent with disease.

PreventionGenetics, part of Exact Sciences
Classification: Benign. Review status: criteria provided, single submitter. Criteria: ACMG Guidelines, 2015. Collection method: clinical testing. Allele origin: germline.